The following is an entry in ClinVar:

NM_006303.4(AIMP2):c.807C>T (p.Leu269=)

Genes: AIMP2 (aminoacyl tRNA synthetase complex interacting multifunctional protein 2; plus strand), EIF2AK1 (eukaryotic translation initiation factor 2 alpha kinase 1; minus strand). Cytogenetic location: 7p22.1.
Variant type: single nucleotide variant.
Coding change: c.807C>T on transcript NM_006303.4 (MANE Select); coding-DNA position 807, C replaced by T.
Protein change: p.Leu269=; no amino-acid change (leucine 269 retained).
Molecular consequence: synonymous variant. On other transcripts: 3 prime UTR variant (2).
Genome position (GRCh38, 1-based): chr7:6,023,535, C>T. VCF-style: chr7-6023535-C-T. GRCh37 (hg19) VCF-style: chr7-6063166-C-T.
Other names: c.*1138G>A (NM_001134335.2, NM_014413.4); c.687C>T, p.Leu229= (NM_001326606.2); c.600C>T, p.Leu200= (NM_001326607.2); c.573C>T, p.Leu191= (NM_001326609.2, NM_001326610.2, NM_001326611.3); c.720C>T, p.Leu240= (NM_001362785.2); c.675C>T, p.Leu225= (NM_001362787.2).
Identifiers: ClinVar variation 1651378 (VCV001651378.10), dbSNP rs746501522, ClinGen allele CA4150483.

ClinVar aggregate classification (germline): Likely benign. Review status: criteria provided, single submitter (1 of 4 stars). 2 submissions from 2 submitters: Likely benign (1). 1 of the submissions does not count toward it. Last evaluated 2026-01-07.

Conditions:
AIMP2-related disorder. Also called: AIMP2-related condition.

Allele frequency attached by ClinVar (database versions not stated): gnomAD exomes 0.00004 and 0.00019; ExAC 0.00007; gnomAD 0.00013 and 0.00014; TOPMed 0.00013.
gnomAD v4.1: 80 of 1,614,082 alleles (0.005%); highest among the groups gnomAD compares: Admixed American, 0.12%; 1 homozygote.

Submissions (2):

Labcorp Genetics (formerly Invitae), Labcorp
Classification: Likely benign. Last evaluated: 2026-01-07. Review status: criteria provided, single submitter. Criteria: Invitae Variant Classification Sherloc (09022015). Collection method: clinical testing. Allele origin: germline.

PreventionGenetics, part of Exact Sciences
Classification: Likely benign for AIMP2-related condition. Last evaluated: 2019-12-16. Review status: no assertion criteria provided. Collection method: clinical testing. Allele origin: germline. Not counted in ClinVar's aggregate classification.
Comment: This variant is classified as likely benign based on ACMG/AMP sequence variant interpretation guidelines (Richards et al. 2015 PMID: 25741868, with internal and published modifications).